The following is an entry in ClinVar:

ClinVar aggregate classification (germline): Uncertain significance (1 of 4 stars; one submission).

Conditions:
Fetal akinesia deformation sequence 1 (FADS1). Also called: Pena-Shokeir syndrome type I; Fetal akinesia sequence. Identifiers: Orphanet 994, MedGen C1276035, MONDO:0100101, OMIM 208150, HP:0001989.
Congenital myasthenic syndrome 10. Also called: Myasthenia, limb-girdle, familial. Identifiers: Orphanet 590, MedGen C1850792, MONDO:0009690, OMIM 254300.

Allele frequency attached by ClinVar (database versions not stated): gnomAD exomes 0.00003.
gnomAD v4.1: 20 of 1,573,774 alleles (0.0013%); highest among the groups gnomAD compares: Admixed American, 0.0073%; no homozygotes.

Submission:

Labcorp Genetics (formerly Invitae), Labcorp
Classification: Uncertain significance for Congenital myasthenic syndrome 10; Fetal akinesia deformation sequence 1. Last evaluated: 2024-10-29. Review status: criteria provided, single submitter. Criteria: Invitae Variant Classification Sherloc (09022015). Collection method: clinical testing. Allele origin: germline.
Comment: This sequence change replaces arginine, which is basic and polar, with glycine, which is neutral and non-polar, at codon 253 of the DOK7 protein (p.Arg253Gly). This variant is present in population databases (rs370967580, gnomAD 0.01%). This variant has not been reported in the literature in individuals affected with DOK7-related conditions. ClinVar contains an entry for this variant (Variation ID: 1448155). Invitae Evidence Modeling of protein sequence and biophysical properties (such as structural, functional, and spatial information, amino acid conservation, physicochemical variation, residue mobility, and thermodynamic stability) indicates that this missense variant is not expected to disrupt DOK7 protein function with a negative predictive value of 80%. In summary, the available evidence is currently insufficient to determine the role of this variant in disease. Therefore, it has been classified as a Variant of Uncertain Significance.

NM_173660.5(DOK7):c.757A>G (p.Arg253Gly)

Genes: DOK7 (docking protein 7; plus strand), LOC129992118 (ATAC-STARR-seq lymphoblastoid silent region 15206; plus strand). Cytogenetic location: 4p16.3.
Variant type: single nucleotide variant.
Coding change: c.757A>G on transcript NM_173660.5 (MANE Select); coding-DNA position 757, A replaced by G.
Protein change: p.Arg253Gly; replaces arginine 253 with glycine.
Molecular consequence: missense variant. On other transcripts: 5 prime UTR variant (1).
Genome position (GRCh38, 1-based): chr4:3,489,781, A>G. VCF-style: chr4-3489781-A-G. GRCh37 (hg19) VCF-style: chr4-3491508-A-G.
Other names: c.746A>G, p.Gln249Arg (NM_001164673.2); c.-174A>G (NM_001256896.2); c.757A>G, p.Arg253Gly (NM_001301071.2); c.325A>G, p.Arg109Gly (NM_001363811.2); short protein forms Q249R, R109G, R253G.
Identifiers: ClinVar variation 1448155 (VCV001448155.7), dbSNP rs370967580, ClinGen allele CA2829171.